The following is an entry in ClinVar:

ClinVar aggregate classification (germline): Uncertain significance. Review status: criteria provided, multiple submitters, no conflicts (2 of 4 stars). 2 submissions from 2 submitters: Uncertain significance (2). Last evaluated 2025-04-23.

Allele frequency attached by ClinVar (database versions not stated): ExAC 0.00001; gnomAD 0.00001; gnomAD exomes 0.00001 and 0.00002; TOPMed 0.00001.

Submissions (2):

Labcorp Genetics (formerly Invitae), Labcorp
Classification: Uncertain significance. Last evaluated: 2025-04-23. Review status: criteria provided, single submitter. Criteria: Invitae Variant Classification Sherloc (09022015). Collection method: clinical testing. Allele origin: germline.
Comment: This sequence change replaces arginine, which is basic and polar, with glutamine, which is neutral and polar, at codon 96 of the GUCY2C protein (p.Arg96Gln). This variant is present in population databases (rs746291210, gnomAD 0.004%). This variant has not been reported in the literature in individuals affected with GUCY2C-related conditions. ClinVar contains an entry for this variant (Variation ID: 1441497). Invitae Evidence Modeling of protein sequence and biophysical properties (such as structural, functional, and spatial information, amino acid conservation, physicochemical variation, residue mobility, and thermodynamic stability) indicates that this missense variant is not expected to disrupt GUCY2C protein function with a negative predictive value of 80%. In summary, the available evidence is currently insufficient to determine the role of this variant in disease. Therefore, it has been classified as a Variant of Uncertain Significance.

Blueprint Genetics
Classification: Uncertain significance. Last evaluated: 2024-08-09. Review status: criteria provided, single submitter. Criteria: ACMG Guidelines, 2015. Collection method: clinical testing. Allele origin: germline.

NM_004963.4(GUCY2C):c.287G>A (p.Arg96Gln)

Genes: GUCY2C (guanylate cyclase 2C; minus strand), GUCY2C-AS1 (GUCY2C antisense RNA 1; plus strand). Cytogenetic location: 12p12.3.
Variant type: single nucleotide variant.
Coding change: c.287G>A on transcript NM_004963.4 (MANE Select); coding-DNA position 287, G replaced by A.
Protein change: p.Arg96Gln; replaces arginine 96 with glutamine.
Molecular consequence: missense variant.
Genome position (GRCh38, 1-based): chr12:14,687,994, C>T on the plus strand (G>A on the coding strand, the complement: GUCY2C is on the minus strand). VCF-style: chr12-14687994-C-T. GRCh37 (hg19) VCF-style: chr12-14840928-C-T.
Other names: short protein forms R96Q.
Identifiers: ClinVar variation 1441497 (VCV001441497.7), dbSNP rs746291210, ClinGen allele CA6463791.
Genomic context (GRCh38, chr12:14,687,994, plus strand): 5'-CAAAAGCAAATACTTACTGAAATTTTCCTGAGTAGGTCGAGGCCTTCACAGGTGCTACTC[C>T]GGCAGTCGCCTGAGTTATGAATCAGACCATCCGAATACATGAAAGTAGCGTTCACAGTCA-3'
Protein context (NP_004954.2, residues 86-106): DGLIHNSGDC[Arg96Gln]SSTCEGLDLL